The following is an entry in ClinVar:

ClinVar aggregate classification (germline): Conflicting classifications of pathogenicity. Review status: criteria provided, conflicting classifications (1 of 4 stars). 3 submissions from 3 submitters: Pathogenic (1); Likely pathogenic (1); Uncertain significance (1). Last evaluated 2024-03-20.

Conditions:
Bilateral frontoparietal polymicrogyria. Also called: CORTICAL DYSPLASIA, COMPLEX, WITH OTHER BRAIN MALFORMATIONS 14A (BILATERAL FRONTOPARIETAL); CEREBELLAR ATAXIA WITH NEURONAL MIGRATION DEFECT. Identifiers: Orphanet 101070, MedGen C1847352, MONDO:0011738, OMIM 606854.
Polymicrogyria, bilateral perisylvian, autosomal recessive (CDCBM14B). Also called: CORTICAL DYSPLASIA, COMPLEX, WITH OTHER BRAIN MALFORMATIONS 14B (BILATERAL PERISYLVIAN). Identifiers: MedGen C3810405, MONDO:0014333, OMIM 615752.

Allele frequency attached by ClinVar (database versions not stated): gnomAD exomes below 0.00001 and 0.00001; ExAC 0.00001; gnomAD 0.00001.
gnomAD v4.1: 5 of 1,614,112 alleles (0.00031%); highest among the groups gnomAD compares: Non-Finnish European, 0.000085%; no homozygotes.

Submissions (3):

Fulgent Genetics
Classification: Likely pathogenic for Bilateral frontoparietal polymicrogyria; Polymicrogyria, bilateral perisylvian, autosomal recessive. Last evaluated: 2024-03-20. Review status: criteria provided, single submitter. Criteria: ACMG Guidelines, 2015. Collection method: clinical testing. Allele origin: germline.

Labcorp Genetics (formerly Invitae), Labcorp
Classification: Pathogenic. Last evaluated: 2023-10-05. Review status: criteria provided, single submitter. Criteria: Invitae Variant Classification Sherloc (09022015). Collection method: clinical testing. Allele origin: germline.
Comment: This sequence change creates a premature translational stop signal (p.Gln131*) in the ADGRG1 gene. It is expected to result in an absent or disrupted protein product. Loss-of-function variants in ADGRG1 are known to be pathogenic (PMID: 15044805, 20929962). The frequency data for this variant in the population databases is considered unreliable, as metrics indicate poor data quality at this position in the gnomAD database. This variant has not been reported in the literature in individuals affected with ADGRG1-related conditions. ClinVar contains an entry for this variant (Variation ID: 632548). For these reasons, this variant has been classified as Pathogenic.

Broad Center for Mendelian Genomics, Broad Institute of MIT and Harvard
Classification: Uncertain significance for Bilateral frontoparietal polymicrogyria. Last evaluated: 2022-05-04. Review status: criteria provided, single submitter. Criteria: ACMG Guidelines, 2015. Collection method: curation. Allele origin: germline. Inheritance: Autosomal recessive inheritance.
Comment: The variant has not been previously reported in individuals with bilateral frontoparietal polymicrogyria but has been identified in 0.02% (2/10366) of Ashkenazi Jewish and 0.0008% (1/129090) of European non-Finnish chromosomes by the Genome Aggregation Database (gnomAD; dbSNP ID: rs773498177). Although this variant has been seen in the general population, its frequency is not high enough to rule out a pathogenic role. This variant has also been reported in ClinVar (Variation ID: 632548) as having unknown significance by Illumina Clinical Services Laboratory. This nonsense variant leads to a premature termination codon at position 131, which is predicted to lead to a truncated or absent protein. Loss of function of the ADGRG1 gene is a moderately established disease mechanism in autosomal recessive bilateral frontoparietal polymicrogyria. The presence of this variant in 1 affected homozygote, and in an individual with bilateral frontoparietal polymicrogyria, increases the likelihood that the p.Gln131Ter variant is pathogenic. In summary, while there is some suspicion for a pathogenic role, the clinical significance of this variant is uncertain. ACMG/AMP Criteria applied: PVS1_strong, PM3_supporting (Richards 2015).

Literature cited by the submitters: PubMed 15044805 (cited by Labcorp Genetics (formerly Invitae), Labcorp); PubMed 20929962 (cited by Labcorp Genetics (formerly Invitae), Labcorp).

NM_201525.4(ADGRG1):c.391C>T (p.Gln131Ter)

Gene: ADGRG1 (adhesion G protein-coupled receptor G1; plus strand). Cytogenetic location: 16q21.
Variant type: single nucleotide variant.
Coding change: c.391C>T on transcript NM_201525.4 (MANE Select); coding-DNA position 391, C replaced by T.
Protein change: p.Gln131Ter; replaces glutamine 131 with a stop codon.
Molecular consequence: nonsense. On other transcripts: 5 prime UTR variant (5), intron variant (1).
Genome position (GRCh38, 1-based): chr16:57,651,526, C>T. VCF-style: chr16-57651526-C-T. GRCh37 (hg19) VCF-style: chr16-57685438-C-T.
Other names: NM_201525.4(ADGRG1):c.391C>T; p.Gln131Ter; c.391C>T, p.Gln131Ter (NM_001145770.3, NM_001145771.3, NM_001145772.3 and 16 more transcripts); c.406C>T, p.Gln136Ter (NM_001145773.3, NM_001370433.1); c.-135C>T (NM_001290143.2, NM_001290144.2, NM_001370451.1 and 2 more transcripts); c.235C>T, p.Gln79Ter (NM_001370442.1); c.110+281C>T (NM_001290142.2); short protein forms Q131*, Q136*, Q79*.
Identifiers: ClinVar variation 632548 (VCV000632548.9), dbSNP rs773498177, ClinGen allele CA8078346.